The following is an entry in ClinVar:

ClinVar aggregate classification (germline): Uncertain significance. Review status: criteria provided, multiple submitters, no conflicts (2 of 4 stars). 2 submissions from 2 submitters: Uncertain significance (2). Last evaluated 2025-04-07.

Conditions:
Inborn genetic diseases. Identifiers: MedGen C0950123, MeSH D030342.
Klippel-Feil syndrome 1, autosomal dominant (KFS1). Also called: CERVICAL VERTEBRAL FUSION, AUTOSOMAL DOMINANT. Identifiers: Orphanet 2345, MedGen C1861689, MONDO:0007306, OMIM 118100.
Leber congenital amaurosis 17 (LCA17). Identifiers: Orphanet 65, MedGen C3715164, MONDO:0014145, OMIM 615360.
Isolated microphthalmia 4. Identifiers: Orphanet 2542, MedGen C2751307, MONDO:0013130, OMIM 613094.
Microphthalmia, isolated, with coloboma 6 (MCOPCB6). Also called: Microphthalmia with coloboma 6, digenic; Microphthalmia with coloboma 6; MICROPHTHALMIA/COLOBOMA 6. Identifiers: Orphanet 98938, MedGen C3150968, MONDO:0013376, OMIM 613703.

Allele frequency attached by ClinVar (database versions not stated): gnomAD 0.00001; ExAC 0.00006.
gnomAD v4.1: 16 of 1,482,174 alleles (0.0011%); highest among the groups gnomAD compares: South Asian, 0.02%; no homozygotes.

Submissions (2):

Labcorp Genetics (formerly Invitae), Labcorp
Classification: Uncertain significance for Isolated microphthalmia 4; Leber congenital amaurosis 17; Klippel-Feil syndrome 1, autosomal dominant; Microphthalmia, isolated, with coloboma 6. Last evaluated: 2025-04-07. Review status: criteria provided, single submitter. Criteria: Invitae Variant Classification Sherloc (09022015). Collection method: clinical testing. Allele origin: germline.
Comment: This sequence change replaces arginine, which is basic and polar, with glycine, which is neutral and non-polar, at codon 294 of the GDF6 protein (p.Arg294Gly). This variant is present in population databases (rs772882945, gnomAD 0.03%). This variant has not been reported in the literature in individuals affected with GDF6-related conditions. ClinVar contains an entry for this variant (Variation ID: 2936809). Invitae Evidence Modeling of protein sequence and biophysical properties (such as structural, functional, and spatial information, amino acid conservation, physicochemical variation, residue mobility, and thermodynamic stability) indicates that this missense variant is not expected to disrupt GDF6 protein function with a negative predictive value of 80%. In summary, the available evidence is currently insufficient to determine the role of this variant in disease. Therefore, it has been classified as a Variant of Uncertain Significance.

Ambry Genetics
Classification: Uncertain significance for Inborn genetic diseases. Last evaluated: 2024-05-29. Review status: criteria provided, single submitter. Criteria: Ambry Variant Classification Scheme 2023. Collection method: clinical testing. Allele origin: germline.

NM_001001557.4(GDF6):c.880C>G (p.Arg294Gly)

Gene: GDF6 (growth differentiation factor 6; minus strand). Cytogenetic location: 8q22.1.
Variant type: single nucleotide variant.
Coding change: c.880C>G on transcript NM_001001557.4 (MANE Select); coding-DNA position 880, C replaced by G.
Protein change: p.Arg294Gly; replaces arginine 294 with glycine.
Molecular consequence: missense variant.
Genome position (GRCh38, 1-based): chr8:96,145,051, G>C on the plus strand (C>G on the coding strand, the complement: GDF6 is on the minus strand). VCF-style: chr8-96145051-G-C. GRCh37 (hg19) VCF-style: chr8-97157279-G-C.
Other names: c.880C>G (NM_001001557.2); short protein forms R294G.
Identifiers: ClinVar variation 2936809 (VCV002936809.4), dbSNP rs772882945, ClinGen allele CA4815394.